The following is an entry in ClinVar:

NM_000059.4(BRCA2):c.8813A>G (p.Asp2938Gly)

Gene: BRCA2 (BRCA2 DNA repair associated; plus strand). Cytogenetic location: 13q13.1.
Variant type: single nucleotide variant.
Coding change: c.8813A>G on transcript NM_000059.4 (MANE Select); coding-DNA position 8813, A replaced by G.
Protein change: p.Asp2938Gly; replaces aspartic acid 2938 with glycine.
Molecular consequence: missense variant.
Genome position (GRCh38, 1-based): chr13:32,379,375, A>G. VCF-style: chr13-32379375-A-G. GRCh37 (hg19) VCF-style: chr13-32953512-A-G.
Other names: c.8813A>G (NM_000059.3); short protein forms D2938G.
Identifiers: ClinVar variation 1504344 (VCV001504344.9), dbSNP rs2072898898, ClinGen allele CA387756070.

ClinVar aggregate classification (germline): Uncertain significance. Review status: criteria provided, multiple submitters, no conflicts (2 of 4 stars). 2 submissions from 2 submitters: Uncertain significance (2). Last evaluated 2024-11-04.

Conditions:
Hereditary cancer-predisposing syndrome. Also called: Hereditary neoplastic syndrome; Tumor predisposition; Neoplastic Syndromes, Hereditary; Hereditary Cancer Syndrome. Identifiers: Orphanet 140162, MedGen C0027672, MeSH D009386, MONDO:0015356.
Hereditary breast ovarian cancer syndrome. Also called: Hereditary breast and ovarian cancer; Breast and ovarian cancer; BRCA1- and BRCA2-Associated Hereditary Breast and Ovarian Cancer; Hereditary breast and/or ovarian cancer syndrome; Hereditary breast and ovarian cancer syndrome; Hereditary breast and ovarian cancer syndrome (HBOC). Identifiers: Orphanet 145, MedGen C0677776, MeSH D061325, MONDO:0003582. Disease mechanism: loss of function.

Submissions (2):

Labcorp Genetics (formerly Invitae), Labcorp
Classification: Uncertain significance for Hereditary breast ovarian cancer syndrome. Last evaluated: 2024-11-04. Review status: criteria provided, single submitter. Criteria: Invitae Variant Classification Sherloc (09022015). Collection method: clinical testing. Allele origin: germline.
Comment: This sequence change replaces aspartic acid, which is acidic and polar, with glycine, which is neutral and non-polar, at codon 2938 of the BRCA2 protein (p.Asp2938Gly). This variant is not present in population databases (gnomAD no frequency). This variant has not been reported in the literature in individuals affected with BRCA2-related conditions. ClinVar contains an entry for this variant (Variation ID: 1504344). Invitae Evidence Modeling of protein sequence and biophysical properties (such as structural, functional, and spatial information, amino acid conservation, physicochemical variation, residue mobility, and thermodynamic stability) indicates that this missense variant is not expected to disrupt BRCA2 protein function with a negative predictive value of 95%. In summary, the available evidence is currently insufficient to determine the role of this variant in disease. Therefore, it has been classified as a Variant of Uncertain Significance.

Ambry Genetics
Classification: Uncertain significance for Hereditary cancer-predisposing syndrome. Last evaluated: 2024-04-24. Review status: criteria provided, single submitter. Criteria: Ambry Variant Classification Scheme 2023. Collection method: clinical testing. Allele origin: germline.
Comment: The p.D2938G variant (also known as c.8813A>G), located in coding exon 21 of the BRCA2 gene, results from an A to G substitution at nucleotide position 8813. The aspartic acid at codon 2938 is replaced by glycine, an amino acid with similar properties. This amino acid position is well conserved in available vertebrate species. In addition, the in silico prediction for this alteration is inconclusive. Based on the available evidence, the clinical significance of this variant remains unclear.